The following is an entry in ClinVar:

NM_001098668.4(SFTPA2):c.676G>A (p.Glu226Lys)

Gene: SFTPA2 (surfactant protein A2; minus strand). Cytogenetic location: 10q22.3.
Variant type: single nucleotide variant.
Coding change: c.676G>A on transcript NM_001098668.4 (MANE Select); coding-DNA position 676, G replaced by A.
Protein change: p.Glu226Lys; replaces glutamic acid 226 with lysine.
Molecular consequence: missense variant.
Genome position (GRCh38, 1-based): chr10:79,557,280, C>T on the plus strand (G>A on the coding strand, the complement: SFTPA2 is on the minus strand). VCF-style: chr10-79557280-C-T. GRCh37 (hg19) VCF-style: chr10-81317036-C-T.
Other names: c.676G>A, p.Glu226Lys (NM_001320813.2); c.706G>A, p.Glu236Lys (NM_001320814.1); short protein forms E226K, E236K.
Identifiers: ClinVar variation 1704398 (VCV001704398.1), dbSNP rs2492317079, ClinGen allele CA377352744.
Genomic context (GRCh38, chr10:79,557,280, plus strand): 5'-AGATGGTCAGTCGGGAGTACAGGCAGTTCCTGTCATTCCACTGCCCATCTGTGTACATCT[C>T]CACACACTGCTCTTTTCCCCGACCTGCAGGCTCCCCTCGGTACCAGTTGGTGTAGTTTAC-3'
Protein context (NP_001092138.1, residues 216-236): PAGRGKEQCV[Glu226Lys]MYTDGQWNDR

ClinVar aggregate classification (germline): Uncertain significance (1 of 4 stars; one submission).

Conditions:
Interstitial lung disease 2 (ILD2). Also called: FIBROCYSTIC PULMONARY DYSPLASIA; FIBROSING ALVEOLITIS, CRYPTOGENIC; Familial idiopathic pulmonary fibrosis. Identifiers: Orphanet 2032, Orphanet 79126, MedGen C5561926, MONDO:0800497, OMIM 178500, MONDO:0800029.

Submission:

Johns Hopkins Genomics, Johns Hopkins University
Classification: Uncertain significance for Interstitial lung disease 2. Last evaluated: 2022-08-10. Review status: criteria provided, single submitter. Criteria: ACMG Guidelines, 2015. Collection method: clinical testing. Allele origin: germline.
Comment: This SFTPA2 missense variant is absent from a large population dataset and has not been reported in ClinVar, nor the literature, to our knowledge. Of two bioinformatics tools queried, one predicts that the substitution would be damaging, while the other predicts that it would be tolerated, and the glutamic acid residue at this position is evolutionarily conserved across all of the species assessed5. We consider the clinical significance of c.676G>A to be uncertain at this time.

Literature cited by the submitters: PubMed 32855221.